The following is an entry in ClinVar:

ClinVar aggregate classification (germline): Uncertain significance (1 of 4 stars; one submission).

Conditions:
Bloom syndrome (BLM). Also called: Bloom-Torre-Machacek syndrome. Identifiers: Orphanet 125, MedGen C0005859, MONDO:0008876, OMIM 210900.

gnomAD v4.1: 2 of 1,608,496 alleles (0.00012%); highest among the groups gnomAD compares: Admixed American, 0.0017%; no homozygotes.

Submission:

Labcorp Genetics (formerly Invitae), Labcorp
Classification: Uncertain significance for Bloom syndrome. Last evaluated: 2022-11-06. Review status: criteria provided, single submitter. Criteria: Invitae Variant Classification Sherloc (09022015). Collection method: clinical testing. Allele origin: germline.
Comment: In summary, the available evidence is currently insufficient to determine the role of this variant in disease. Therefore, it has been classified as a Variant of Uncertain Significance. Advanced modeling of protein sequence and biophysical properties (such as structural, functional, and spatial information, amino acid conservation, physicochemical variation, residue mobility, and thermodynamic stability) performed at Invitae indicates that this missense variant is not expected to disrupt BLM protein function. This variant has not been reported in the literature in individuals affected with BLM-related conditions. This variant is present in population databases (no rsID available, gnomAD 0.003%). This sequence change replaces histidine, which is basic and polar, with tyrosine, which is neutral and polar, at codon 886 of the BLM protein (p.His886Tyr).

NM_000057.4(BLM):c.2656C>T (p.His886Tyr)

Gene: BLM (BLM RecQ like helicase; plus strand). Cytogenetic location: 15q26.1.
Variant type: single nucleotide variant.
Coding change: c.2656C>T on transcript NM_000057.4 (MANE Select); coding-DNA position 2656, C replaced by T.
Protein change: p.His886Tyr; replaces histidine 886 with tyrosine.
Molecular consequence: missense variant.
Genome position (GRCh38, 1-based): chr15:90,782,922, C>T. VCF-style: chr15-90782922-C-T. GRCh37 (hg19) VCF-style: chr15-91326152-C-T.
Other names: c.2656C>T, p.His886Tyr (NM_001287246.2, NM_001287247.2); c.1531C>T, p.His511Tyr (NM_001287248.2); short protein forms H886Y, H511Y.
Identifiers: ClinVar variation 2804328 (VCV002804328.3), dbSNP rs765636566, ClinGen allele CA393845816.